The following is an entry in ClinVar:

NM_181458.4(PAX3):c.156C>G (p.Pro52=)

Gene: PAX3 (paired box 3; minus strand). Cytogenetic location: 2q36.1.
Variant type: single nucleotide variant.
Coding change: c.156C>G on transcript NM_181458.4 (MANE Select); coding-DNA position 156, C replaced by G.
Protein change: p.Pro52=; no amino-acid change (proline 52 retained).
Molecular consequence: synonymous variant.
Genome position (GRCh38, 1-based): chr2:222,297,143, G>C on the plus strand (C>G on the coding strand, the complement: PAX3 is on the minus strand). VCF-style: chr2-222297143-G-C. GRCh37 (hg19) VCF-style: chr2-223161862-G-C.
Other names: c.156C>G, p.Pro52= (NM_000438.6, NM_001127366.3, NM_013942.5 and 4 more transcripts).
Identifiers: ClinVar variation 226994 (VCV000226994.22), dbSNP rs28945092, ClinGen allele CA2135796.

ClinVar aggregate classification (germline): Benign. Review status: criteria provided, multiple submitters, no conflicts (2 of 4 stars). 7 submissions from 6 submitters: Benign (7). Last evaluated 2026-01-20.

Conditions:
Waardenburg syndrome. Also called: Waardenburg's syndrome. Identifiers: Orphanet 3440, MedGen C3266898, MONDO:0018094.
Craniofacial-deafness-hand syndrome (CDHS). Identifiers: Orphanet 1529, MedGen C1852510, MONDO:0007395, OMIM 122880.

Allele frequency attached by ClinVar (database versions not stated): gnomAD exomes 0.00332; ExAC 0.00450; ESP Exome Variant Server 0.00939; gnomAD 0.00977 and 0.01003; TOPMed 0.01071; 1000 Genomes Project 0.01518; 1000 Genomes Project 30x 0.01718.
gnomAD v4.1: 3,792 of 1,608,192 alleles (0.24%); highest among the groups gnomAD compares: African/African-American, 3%; 52 homozygotes.

Submissions (7):

Labcorp Genetics (formerly Invitae), Labcorp
Classification: Benign. Last evaluated: 2026-01-20. Review status: criteria provided, single submitter. Criteria: Invitae Variant Classification Sherloc (09022015). Collection method: clinical testing. Allele origin: germline.

GeneDx
Classification: Benign. Last evaluated: 2018-11-15. Review status: criteria provided, single submitter. Criteria: GeneDx Variant Classification Process June 2021. Collection method: clinical testing. Allele origin: germline. Affected: yes.

Illumina Laboratory Services, Illumina
Classification: Benign for Craniofacial-deafness-hand syndrome. Last evaluated: 2018-01-12. Review status: criteria provided, single submitter. Criteria: ICSL Variant Classification Criteria 13 December 2019. Collection method: clinical testing. Allele origin: germline.
Comment: This variant was observed in the ICSL laboratory as part of a predisposition screen in an ostensibly healthy population. It had not been previously curated by ICSL or reported in the Human Gene Mutation Database (HGMD: prior to June 1st, 2018), and was therefore a candidate for classification through an automated scoring system. Utilizing variant allele frequency, disease prevalence and penetrance estimates, and inheritance mode, an automated score was calculated to assess if this variant is too frequent to cause the disease. Based on the score and internal cut-off values, a variant classified as benign is not then subjected to further curation. The score for this variant resulted in a classification of benign for this disease.

Illumina Laboratory Services, Illumina
Classification: Benign for Waardenburg syndrome. Last evaluated: 2018-01-12. Review status: criteria provided, single submitter. Criteria: ICSL Variant Classification Criteria 13 December 2019. Collection method: clinical testing. Allele origin: germline.
Comment: the same text as in the submission from Illumina Laboratory Services, Illumina above.

Laboratory for Molecular Medicine, Mass General Brigham Personalized Medicine
Classification: Benign. Last evaluated: 2014-11-24. Review status: criteria provided, single submitter. Criteria: LMM Criteria. Collection method: clinical testing. Allele origin: germline. Observed: 15 variant alleles.
Comment: Pro52Pro in exon 2 of PAX3: This variant is not expected to have clinical signif icance because it does not alter an amino acid residue and is not located within the splice consensus sequence. It has been identified in 2.6% (114/4396) of Afr ican American chromosomes from a broad population by the NHLBI Exome Sequencing Project (dbSNP rs28945092).

Breakthrough Genomics
Classification: Benign. Review status: criteria provided, single submitter. Criteria: ACMG Guidelines, 2015. Collection method: not provided. Allele origin: germline. Inheritance: Autosomal recessive inheritance. Affected: yes.

PreventionGenetics, part of Exact Sciences
Classification: Benign. Review status: criteria provided, single submitter. Criteria: ACMG Guidelines, 2015. Collection method: clinical testing. Allele origin: germline.